The following is an entry in ClinVar:

NM_014014.5(SNRNP200):c.4456C>T (p.Arg1486Cys)

Gene: SNRNP200 (small nuclear ribonucleoprotein U5 subunit 200; minus strand). Cytogenetic location: 2q11.2.
Variant type: single nucleotide variant.
Coding change: c.4456C>T on transcript NM_014014.5 (MANE Select); coding-DNA position 4456, C replaced by T.
Protein change: p.Arg1486Cys; replaces arginine 1486 with cysteine.
Molecular consequence: missense variant.
Genome position (GRCh38, 1-based): chr2:96,283,941, G>A on the plus strand (C>T on the coding strand, the complement: SNRNP200 is on the minus strand). VCF-style: chr2-96283941-G-A. GRCh37 (hg19) VCF-style: chr2-96949679-G-A.
Other names: short protein forms R1486C.
Identifiers: ClinVar variation 960876 (VCV000960876.9), dbSNP rs2063825161, ClinGen allele CA347665618.
Genomic context (GRCh38, chr2:96,283,941, plus strand): 5'-AGCCCAGCCAGTGGGCCACATCCTTGGCATTGGAGAGCGAAGAGCTGAGTGCCACAATGC[G>A]AATGGGCCGCTCAATCTGGGAGGAGATGTAGCGCATTCGGGAGCAGATCACTTCTAAGAC-3'
Protein context (NP_054733.2, residues 1476-1496): YISSQIERPI[Arg1486Cys]IVALSSSLSN

ClinVar aggregate classification (germline): Uncertain significance (1 of 4 stars; one submission).

Allele frequency attached by ClinVar (database versions not stated): gnomAD exomes below 0.00001; TOPMed below 0.00001; gnomAD 0.00001.
gnomAD v4.1: 5 of 1,562,884 alleles (0.00032%); highest among the groups gnomAD compares: African/African-American, 0.0014%; no homozygotes.

Submission:

Labcorp Genetics (formerly Invitae), Labcorp
Classification: Uncertain significance. Last evaluated: 2022-02-03. Review status: criteria provided, single submitter. Criteria: Invitae Variant Classification Sherloc (09022015). Collection method: clinical testing. Allele origin: germline.
Comment: In summary, the available evidence is currently insufficient to determine the role of this variant in disease. Therefore, it has been classified as a Variant of Uncertain Significance. Algorithms developed to predict the effect of missense changes on protein structure and function are either unavailable or do not agree on the potential impact of this missense change (SIFT: "Deleterious"; PolyPhen-2: "Probably Damaging"; Align-GVGD: "Class C0"). ClinVar contains an entry for this variant (Variation ID: 960876). This variant has not been reported in the literature in individuals affected with SNRNP200-related conditions. This variant is not present in population databases (gnomAD no frequency). This sequence change replaces arginine, which is basic and polar, with cysteine, which is neutral and slightly polar, at codon 1486 of the SNRNP200 protein (p.Arg1486Cys).